The following is an entry in ClinVar:

ClinVar aggregate classification (germline): Conflicting classifications of pathogenicity. Review status: criteria provided, conflicting classifications (1 of 4 stars). 4 submissions from 4 submitters: Uncertain significance (2); Likely benign (1). 1 of the submissions does not count toward it. Last evaluated 2025-10-23.

Conditions:
Inborn genetic diseases. Identifiers: MedGen C0950123, MeSH D030342.
Hajdu-Cheney syndrome (HJCYS). Also called: Acroosteolysis dominant type; SERPENTINE FIBULA-POLYCYSTIC KIDNEY SYNDROME; ACROOSTEOLYSIS WITH OSTEOPOROSIS AND CHANGES IN SKULL AND MANDIBLE. Identifiers: Orphanet 955, MedGen C0917715, MONDO:0007057, OMIM 102500.
NOTCH2-related disorder. Also called: NOTCH2-related condition.

Allele frequency attached by ClinVar (database versions not stated): TOPMed 0.00029; gnomAD 0.00031 and 0.00034; ESP Exome Variant Server 0.00038; gnomAD exomes 0.00003 and 0.00004; ExAC 0.00004.
gnomAD v4.1: 91 of 1,613,998 alleles (0.0056%); highest among the groups gnomAD compares: African/African-American, 0.11%; no homozygotes.

Submissions (4):

Labcorp Genetics (formerly Invitae), Labcorp
Classification: Likely benign for Hajdu-Cheney syndrome. Last evaluated: 2025-10-23. Review status: criteria provided, single submitter. Criteria: Invitae Variant Classification Sherloc (09022015). Collection method: clinical testing. Allele origin: germline.

Ambry Genetics
Classification: Uncertain significance for Inborn genetic diseases. Last evaluated: 2024-04-04. Review status: criteria provided, single submitter. Criteria: Ambry Variant Classification Scheme 2023. Collection method: clinical testing. Allele origin: germline.

Eurofins Ntd Llc (ga)
Classification: Uncertain significance. Last evaluated: 2017-07-18. Review status: criteria provided, single submitter. Criteria: EGL Classification Definitions 2015. Collection method: clinical testing. Allele origin: germline. Observed: 1 variant allele, 1 heterozygote.

PreventionGenetics, part of Exact Sciences
Classification: Likely benign for NOTCH2-related condition. Last evaluated: 2022-10-18. Review status: no assertion criteria provided. Collection method: clinical testing. Allele origin: germline. Not counted in ClinVar's aggregate classification.
Comment: This variant is classified as likely benign based on ACMG/AMP sequence variant interpretation guidelines (Richards et al. 2015 PMID: 25741868, with internal and published modifications).

NM_024408.4(NOTCH2):c.4973C>T (p.Thr1658Ile)

Gene: NOTCH2 (notch receptor 2; minus strand). Cytogenetic location: 1p12.
Variant type: single nucleotide variant.
Coding change: c.4973C>T on transcript NM_024408.4 (MANE Select); coding-DNA position 4973, C replaced by T.
Protein change: p.Thr1658Ile; replaces threonine 1658 with isoleucine.
Molecular consequence: missense variant.
Genome position (GRCh38, 1-based): chr1:119,922,665, G>A on the plus strand (C>T on the coding strand, the complement: NOTCH2 is on the minus strand). VCF-style: chr1-119922665-G-A. GRCh37 (hg19) VCF-style: chr1-120465288-G-A.
Other names: short protein forms T1658I.
Identifiers: ClinVar variation 593276 (VCV000593276.18), dbSNP rs142462128, ClinGen allele CA1039761.